The following is an entry in ClinVar:

ClinVar aggregate classification (germline): Likely benign. Review status: criteria provided, multiple submitters, no conflicts (2 of 4 stars). 4 submissions from 4 submitters: Likely benign (3). 1 of the submissions does not count toward it. Last evaluated 2026-06-01.

Conditions:
DOCK6-related disorder. Also called: DOCK6-related condition.

Allele frequency attached by ClinVar (database versions not stated): gnomAD exomes 0.00015 and 0.00051; gnomAD 0.00019 and 0.00021; TOPMed 0.00032; ExAC 0.00057; 1000 Genomes Project 0.00060; 1000 Genomes Project 30x 0.00062.
gnomAD v4.1: 274 of 1,548,966 alleles (0.018%); highest among the groups gnomAD compares: East Asian, 0.36%; 2 homozygotes.

Submissions (4):

CeGaT Center for Human Genetics Tuebingen
Classification: Likely benign. Last evaluated: 2026-06-01. Review status: criteria provided, single submitter. Criteria: CeGaT Center For Human Genetics Tuebingen Variant Classification Criteria Version 2. Collection method: clinical testing. Allele origin: germline. Affected: yes. Observed: 1 variant allele.
Comment: DOCK6: BS2

Labcorp Genetics (formerly Invitae), Labcorp
Classification: Likely benign. Last evaluated: 2025-12-24. Review status: criteria provided, single submitter. Criteria: Invitae Variant Classification Sherloc (09022015). Collection method: clinical testing. Allele origin: germline.

Blueprint Genetics
Classification: Likely benign. Last evaluated: 2024-06-21. Review status: criteria provided, single submitter. Criteria: ACMG Guidelines, 2015. Collection method: clinical testing. Allele origin: germline.

PreventionGenetics, part of Exact Sciences
Classification: Likely benign for DOCK6-related condition. Last evaluated: 2020-04-07. Review status: no assertion criteria provided. Collection method: clinical testing. Allele origin: germline. Not counted in ClinVar's aggregate classification.
Comment: This variant is classified as likely benign based on ACMG/AMP sequence variant interpretation guidelines (Richards et al. 2015 PMID: 25741868, with internal and published modifications).

NM_020812.4(DOCK6):c.5227G>A (p.Gly1743Ser)

Genes: DOCK6 (dedicator of cytokinesis 6; minus strand), DOCK6-AS1 (DOCK6 antisense RNA 1; plus strand). Cytogenetic location: 19p13.2.
Variant type: single nucleotide variant.
Coding change: c.5227G>A on transcript NM_020812.4 (MANE Select); coding-DNA position 5227, G replaced by A.
Protein change: p.Gly1743Ser; replaces glycine 1743 with serine.
Molecular consequence: missense variant.
Genome position (GRCh38, 1-based): chr19:11,204,089, C>T on the plus strand (G>A on the coding strand, the complement: DOCK6 is on the minus strand). VCF-style: chr19-11204089-C-T. GRCh37 (hg19) VCF-style: chr19-11314765-C-T.
Other names: c.5332G>A, p.Gly1778Ser (NM_001367830.1); c.5227G>A (NM_020812.3); short protein forms G1743S, G1778S.
Identifiers: ClinVar variation 1635910 (VCV001635910.13), dbSNP rs200018212, ClinGen allele CA9206578.